The following is an entry in ClinVar:

NM_182961.4(SYNE1):c.3499G>A (p.Val1167Ile)

Gene: SYNE1 (spectrin repeat containing nuclear envelope protein 1; minus strand). Cytogenetic location: 6q25.2.
Variant type: single nucleotide variant.
Coding change: c.3499G>A on transcript NM_182961.4 (MANE Select); coding-DNA position 3499, G replaced by A.
Protein change: p.Val1167Ile; replaces valine 1167 with isoleucine.
Molecular consequence: missense variant.
Genome position (GRCh38, 1-based): chr6:152,449,538, C>T on the plus strand (G>A on the coding strand, the complement: SYNE1 is on the minus strand). VCF-style: chr6-152449538-C-T. GRCh37 (hg19) VCF-style: chr6-152770673-C-T.
Other names: c.3520G>A, p.Val1174Ile (NM_033071.5); short protein forms V1167I, V1174I.
Identifiers: ClinVar variation 644225 (VCV000644225.10), dbSNP rs142734877, ClinGen allele CA4058829.

ClinVar aggregate classification (germline): Uncertain significance (1 of 4 stars; one submission).

Conditions:
Autosomal recessive ataxia, Beauce type. Also called: Spinocerebellar ataxia, autosomal recessive 8; ATAXIA, RECESSIVE, OF BEAUCE; SYNE1 Deficiency; SYNE1-Related Autosomal Recessive Cerebellar Ataxia. Identifiers: Orphanet 88644, MedGen C1853116, MONDO:0012549, OMIM 610743.
Emery-Dreifuss muscular dystrophy 4, autosomal dominant (EDMD4). Also called: EMERY-DREIFUSS MUSCULAR DYSTROPHY 4 WITH VARIABLE FEATURES. Identifiers: Orphanet 261, MedGen C2751807, MONDO:0013071, OMIM 612998.

Allele frequency attached by ClinVar (database versions not stated): gnomAD 0.00001; gnomAD exomes 0.00001 and 0.00002; TOPMed 0.00002; ExAC 0.00003; ESP Exome Variant Server 0.00008.
gnomAD v4.1: 14 of 1,612,692 alleles (0.00087%); highest among the groups gnomAD compares: East Asian, 0.0045%; no homozygotes.

Submission:

Labcorp Genetics (formerly Invitae), Labcorp
Classification: Uncertain significance for Emery-Dreifuss muscular dystrophy 4, autosomal dominant; Autosomal recessive ataxia, Beauce type. Last evaluated: 2024-08-16. Review status: criteria provided, single submitter. Criteria: Invitae Variant Classification Sherloc (09022015). Collection method: clinical testing. Allele origin: germline.
Comment: This sequence change replaces valine, which is neutral and non-polar, with isoleucine, which is neutral and non-polar, at codon 1174 of the SYNE1 protein (p.Val1174Ile). This variant is present in population databases (rs142734877, gnomAD 0.03%). This variant has not been reported in the literature in individuals affected with SYNE1-related conditions. ClinVar contains an entry for this variant (Variation ID: 644225). An algorithm developed to predict the effect of missense changes on protein structure and function (PolyPhen-2) suggests that this variant is likely to be tolerated. In summary, the available evidence is currently insufficient to determine the role of this variant in disease. Therefore, it has been classified as a Variant of Uncertain Significance.